The following is an entry in ClinVar:

NM_006922.4(SCN3A):c.2351T>C (p.Met784Thr)

Gene: SCN3A (sodium voltage-gated channel alpha subunit 3; minus strand). Cytogenetic location: 2q24.3.
Variant type: single nucleotide variant.
Coding change: c.2351T>C on transcript NM_006922.4 (MANE Select); coding-DNA position 2351, T replaced by C.
Protein change: p.Met784Thr; replaces methionine 784 with threonine.
Molecular consequence: missense variant.
Genome position (GRCh38, 1-based): chr2:165,137,919, A>G on the plus strand (T>C on the coding strand, the complement: SCN3A is on the minus strand). VCF-style: chr2-165137919-A-G. GRCh37 (hg19) VCF-style: chr2-165994429-A-G.
Other names: c.2204T>C, p.Met735Thr (NM_001081676.2, NM_001081677.2); short protein forms M735T, M784T.
Identifiers: ClinVar variation 1306792 (VCV001306792.2), dbSNP rs1458545066, ClinGen allele CA349045027.

ClinVar aggregate classification (germline): Uncertain significance (1 of 4 stars; one submission).

Allele frequency attached by ClinVar (database versions not stated): gnomAD 0.00001.
gnomAD v4.1: 7 of 1,613,298 alleles (0.00043%); highest among the groups gnomAD compares: Non-Finnish European, 0.00059%; no homozygotes.

Submission:

GeneDx
Classification: Uncertain significance. Last evaluated: 2019-07-03. Review status: criteria provided, single submitter. Criteria: GeneDx Variant Classification Process June 2021. Collection method: clinical testing. Allele origin: germline. Affected: yes.
Comment: Has not been previously published as pathogenic or benign to our knowledge; In silico analysis, which includes protein predictors and evolutionary conservation, supports a deleterious effect; Not observed at a significant frequency in large population cohorts (Lek et al., 2016)